The following is an entry in ClinVar:

ClinVar aggregate classification (germline): Likely benign. Review status: criteria provided, multiple submitters, no conflicts (2 of 4 stars). 2 submissions from 2 submitters: Likely benign (2). Last evaluated 2025-03-01.

Allele frequency attached by ClinVar (database versions not stated): gnomAD 0.00001 and 0.00003; TOPMed 0.00001; gnomAD exomes 0.00003; ExAC 0.00004; ESP Exome Variant Server 0.00008; 1000 Genomes Project 30x 0.00016; 1000 Genomes Project 0.00020.
gnomAD v4.1: 22 of 1,612,906 alleles (0.0014%); highest among the groups gnomAD compares: African/African-American, 0.008%; no homozygotes.

Submissions (2):

CeGaT Center for Human Genetics Tuebingen
Classification: Likely benign. Last evaluated: 2025-03-01. Review status: criteria provided, single submitter. Criteria: CeGaT Center For Human Genetics Tuebingen Variant Classification Criteria Version 2. Collection method: clinical testing. Allele origin: germline. Affected: yes. Observed: 1 variant allele.
Comment: KCNC3: BP4, BP7

Labcorp Genetics (formerly Invitae), Labcorp
Classification: Likely benign. Last evaluated: 2025-01-13. Review status: criteria provided, single submitter. Criteria: Invitae Variant Classification Sherloc (09022015). Collection method: clinical testing. Allele origin: germline.

NM_004977.3(KCNC3):c.2133C>T (p.Thr711=)

Gene: KCNC3 (potassium voltage-gated channel subfamily C member 3; minus strand). Cytogenetic location: 19q13.33.
Variant type: single nucleotide variant.
Coding change: c.2133C>T on transcript NM_004977.3 (MANE Select); coding-DNA position 2133, C replaced by T.
Protein change: p.Thr711=; no amino-acid change (threonine 711 retained).
Molecular consequence: synonymous variant. On other transcripts: non-coding transcript variant (1).
Genome position (GRCh38, 1-based): chr19:50,320,630, G>A on the plus strand (C>T on the coding strand, the complement: KCNC3 is on the minus strand). VCF-style: chr19-50320630-G-A. GRCh37 (hg19) VCF-style: chr19-50823887-G-A.
Other names: c.1905C>T, p.Thr635= (NM_001372305.1).
Identifiers: ClinVar variation 1626858 (VCV001626858.15), dbSNP rs373371673, ClinGen allele CA9594101.